The following is an entry in ClinVar:

NM_004928.3(CFAP410):c.643-223G>C

Gene: CFAP410 (cilia and flagella associated protein 410; minus strand). Cytogenetic location: 21q22.3.
Variant type: single nucleotide variant.
Coding change: c.643-223G>C on transcript NM_004928.3 (MANE Select); 223 bases into the intron before coding-DNA position 643, G replaced by C.
Molecular consequence: intron variant. On other transcripts: missense variant (1).
Genome position (GRCh38, 1-based): chr21:44,330,549, C>G on the plus strand (G>C on the coding strand, the complement: CFAP410 is on the minus strand). VCF-style: chr21-44330549-C-G. GRCh37 (hg19) VCF-style: chr21-45750432-C-G.
Other names: c.913G>C, p.Ala305Pro (NM_001271441.2); c.640-223G>C (NM_001271440.2); c.517-223G>C (NM_001271442.1); short protein forms A305P.
Identifiers: ClinVar variation 3355764 (VCV003355764.1).

ClinVar aggregate classification (germline): Uncertain significance (0 of 4 stars; one submission).

Conditions:
CFAP410-related disorder. Also called: CFAP410-related condition.

gnomAD v4.1: 28 of 1,548,980 alleles (0.0018%); highest among the groups gnomAD compares: Non-Finnish European, 0.0023%; no homozygotes.

Submission:

PreventionGenetics, part of Exact Sciences
Classification: Uncertain significance for CFAP410-related condition. Last evaluated: 2024-05-01. Review status: no assertion criteria provided. Collection method: clinical testing. Allele origin: germline.
Comment: The CFAP410 c.913G>C variant is predicted to result in the amino acid substitution p.Ala305Pro. This variant is referred to as c.643-223G>C (intronic) with an alternate transcript NM_004928. To our knowledge, this variant has not been reported in the literature. This variant is reported in 0.0086% of alleles in individuals of European (Non-Finnish) descent in gnomAD. At this time, the clinical significance of this variant is uncertain due to the absence of conclusive functional and genetic evidence.